The following is an entry in ClinVar:

NM_001039141.3(TRIOBP):c.324G>C (p.Glu108Asp)

Gene: TRIOBP (TRIO and F-actin binding protein; plus strand). Cytogenetic location: 22q13.1.
Variant type: single nucleotide variant.
Coding change: c.324G>C on transcript NM_001039141.3 (MANE Select); coding-DNA position 324, G replaced by C.
Protein change: p.Glu108Asp; replaces glutamic acid 108 with aspartic acid.
Molecular consequence: missense variant.
Genome position (GRCh38, 1-based): chr22:37,713,279, G>C. VCF-style: chr22-37713279-G-C. GRCh37 (hg19) VCF-style: chr22-38109286-G-C.
Other names: short protein forms E108D.
Identifiers: ClinVar variation 3893425 (VCV003893425.1).

ClinVar aggregate classification (germline): Uncertain significance (1 of 4 stars; one submission).

gnomAD v4.1: 1 of 1,613,956 alleles (0.000062%); highest among the groups gnomAD compares: Non-Finnish European, 0.000085%; no homozygotes.

Submission:

GeneDx
Classification: Uncertain significance. Last evaluated: 2024-10-23. Review status: criteria provided, single submitter. Criteria: GeneDx Variant Classification Process June 2021. Collection method: clinical testing. Allele origin: germline. Affected: yes.
Comment: Not observed at significant frequency in large population cohorts (gnomAD); In silico analysis indicates that this missense variant does not alter protein structure/function; Has not been previously published as pathogenic or benign to our knowledge